The following is an entry in ClinVar:

NM_001365276.2(TNXB):c.9428T>C (p.Ile3143Thr)

Gene: TNXB (tenascin XB; minus strand). Cytogenetic location: 6p21.33.
Variant type: single nucleotide variant.
Coding change: c.9428T>C on transcript NM_001365276.2 (MANE Select); coding-DNA position 9428, T replaced by C.
Protein change: p.Ile3143Thr; replaces isoleucine 3143 with threonine.
Molecular consequence: missense variant.
Genome position (GRCh38, 1-based): chr6:32,050,009, A>G on the plus strand (T>C on the coding strand, the complement: TNXB is on the minus strand). VCF-style: chr6-32050009-A-G. GRCh37 (hg19) VCF-style: chr6-32017786-A-G.
Other names: c.9422T>C, p.Ile3141Thr (NM_019105.8); short protein forms I3141T, I3143T.
Identifiers: ClinVar variation 1766914 (VCV001766914.4), dbSNP rs775795859, ClinGen allele CA3733542.
Genomic context (GRCh38, chr6:32,050,009, plus strand): 5'-AGGTGGCCCTCCCACAGCTCCCACCCTGGGGCTCCCATCATTCACTCACCCGTCACCCCA[A>G]TGGCAGACACAGGGCCTACGCGCTGGCCACCGTGGAAGCCGTACAGGTTCATCTTGTATT-3'
Protein context (NP_001352205.1, residues 3133-3153): GGQRVGPVSA[Ile3143Thr]GVTEEETPSP

ClinVar aggregate classification (germline): Conflicting classifications of pathogenicity. Review status: criteria provided, conflicting classifications (1 of 4 stars). 2 submissions from 2 submitters: Uncertain significance (1); Likely benign (1). Last evaluated 2026-03-23.

Conditions:
Cardiovascular phenotype. Identifiers: MedGen CN230736.

Allele frequency attached by ClinVar (database versions not stated): TOPMed 0.00003; gnomAD 0.00004; ExAC 0.00005; gnomAD exomes 0.00005.
gnomAD v4.1: 82 of 1,613,680 alleles (0.0051%); highest among the groups gnomAD compares: Middle Eastern, 0.016%; no homozygotes.

Submissions (2):

Women's Health and Genetics/Laboratory Corporation of America, LabCorp
Classification: Uncertain significance. Last evaluated: 2026-03-23. Review status: criteria provided, single submitter. Criteria: LabCorp Variant Classification Summary - May 2015. Collection method: clinical testing. Allele origin: germline.
Comment: Variant summary: TNXB c.9422T>C (p.Ile3141Thr) results in a non-conservative amino acid change in the encoded protein sequence. Algorithms developed to predict the effect of missense changes on protein structure and function are either unavailable or do not agree on the potential impact of this missense change. The variant allele was found at a frequency of 4.1e-05 in 246420 control chromosomes. This frequency is not significantly higher than estimated for disease-causing variants in TNXB, allowing no conclusion about variant significance. To our knowledge, no occurrence of c.9422T>C in individuals affected with TNXB-related conditions and no experimental evidence demonstrating its impact on protein function have been reported. ClinVar contains an entry for this variant (Variation ID: 1766914). Based on the evidence outlined above, the variant was classified as uncertain significance.

Ambry Genetics
Classification: Likely benign for Cardiovascular phenotype. Last evaluated: 2024-10-10. Review status: criteria provided, single submitter. Criteria: Ambry Variant Classification Scheme 2023. Collection method: clinical testing. Allele origin: germline.